The following is an entry in ClinVar:

NM_017849.4(TMEM127):c.32G>A (p.Gly11Asp)

Genes: TMEM127 (transmembrane protein 127; minus strand), LOC129934333 (ATAC-STARR-seq lymphoblastoid silent region 11759; plus strand). Cytogenetic location: 2q11.2.
Variant type: single nucleotide variant.
Coding change: c.32G>A on transcript NM_017849.4 (MANE Select); coding-DNA position 32, G replaced by A.
Protein change: p.Gly11Asp; replaces glycine 11 with aspartic acid.
Molecular consequence: missense variant.
Genome position (GRCh38, 1-based): chr2:96,265,350, C>T on the plus strand (G>A on the coding strand, the complement: TMEM127 is on the minus strand). VCF-style: chr2-96265350-C-T. GRCh37 (hg19) VCF-style: chr2-96931088-C-T.
Other names: c.32G>A, p.Gly11Asp (NM_001193304.3); short protein forms G11D.
Identifiers: ClinVar variation 1411688 (VCV001411688.8), dbSNP rs773493345, ClinGen allele CA347656278.

ClinVar aggregate classification (germline): Uncertain significance (1 of 4 stars; one submission).

Conditions:
Hereditary pheochromocytoma and paraganglioma. Also called: Hereditary paragangliomas and pheochromocytomas; Hereditary Paraganglioma-Pheochromocytoma Syndromes; Hereditary pheochromocytoma-paraganglioma. Identifiers: Orphanet 29072, MedGen C4274332, MONDO:0017366.

Submission:

Labcorp Genetics (formerly Invitae), Labcorp
Classification: Uncertain significance for Hereditary pheochromocytoma and paraganglioma. Last evaluated: 2022-09-01. Review status: criteria provided, single submitter. Criteria: Invitae Variant Classification Sherloc (09022015). Collection method: clinical testing. Allele origin: germline.
Comment: Algorithms developed to predict the effect of missense changes on protein structure and function are either unavailable or do not agree on the potential impact of this missense change (SIFT: "Tolerated"; PolyPhen-2: "Not Available"; Align-GVGD: "Class C0"). This sequence change replaces glycine, which is neutral and non-polar, with aspartic acid, which is acidic and polar, at codon 11 of the TMEM127 protein (p.Gly11Asp). This variant is not present in population databases (gnomAD no frequency). This variant has not been reported in the literature in individuals affected with TMEM127-related conditions. ClinVar contains an entry for this variant (Variation ID: 1411688). In summary, the available evidence is currently insufficient to determine the role of this variant in disease. Therefore, it has been classified as a Variant of Uncertain Significance.